The following is an entry in ClinVar:

NM_033109.5(PNPT1):c.862C>T (p.His288Tyr)

Gene: PNPT1 (polyribonucleotide nucleotidyltransferase 1; minus strand). Cytogenetic location: 2p16.1.
Variant type: single nucleotide variant.
Coding change: c.862C>T on transcript NM_033109.5 (MANE Select); coding-DNA position 862, C replaced by T.
Protein change: p.His288Tyr; replaces histidine 288 with tyrosine.
Molecular consequence: missense variant.
Genome position (GRCh38, 1-based): chr2:55,672,897, G>A on the plus strand (C>T on the coding strand, the complement: PNPT1 is on the minus strand). VCF-style: chr2-55672897-G-A. GRCh37 (hg19) VCF-style: chr2-55900032-G-A.
Other names: short protein forms H288Y.
Identifiers: ClinVar variation 670119 (VCV000670119.31), dbSNP rs141543222, ClinGen allele CA1668331.
Genomic context (GRCh38, chr2:55,672,897, plus strand): 5'-CGAGGAAATTAAATCTGATGACAATTTCATATTTTCATTTGCACAGATGTTCTTACTTAT[G>A]AGTATATTTCACAATCTCTGGCGAAGGGGTAAATAACTTCTGAGGTGTCCTCTTGGTAAC-3'
Protein context (NP_149100.2, residues 278-298): TPSPEIVKYT[His288Tyr]KLAMERLYAV

ClinVar aggregate classification (germline): Likely benign. Review status: criteria provided, multiple submitters, no conflicts (2 of 4 stars). 4 submissions from 4 submitters: Likely benign (4). Last evaluated 2026-01-28.

Allele frequency attached by ClinVar (database versions not stated): gnomAD exomes 0.00015 and 0.00042; ExAC 0.00059; 1000 Genomes Project 0.00120; gnomAD 0.00140 and 0.00157; ESP Exome Variant Server 0.00161; 1000 Genomes Project 30x 0.00141; TOPMed 0.00148.
gnomAD v4.1: 440 of 1,591,072 alleles (0.028%); highest among the groups gnomAD compares: African/African-American, 0.55%; 3 homozygotes.

Submissions (4):

Labcorp Genetics (formerly Invitae), Labcorp
Classification: Likely benign. Last evaluated: 2026-01-28. Review status: criteria provided, single submitter. Criteria: Invitae Variant Classification Sherloc (09022015). Collection method: clinical testing. Allele origin: germline.

CeGaT Center for Human Genetics Tuebingen
Classification: Likely benign. Last evaluated: 2025-03-01. Review status: criteria provided, single submitter. Criteria: CeGaT Center For Human Genetics Tuebingen Variant Classification Criteria Version 2. Collection method: clinical testing. Allele origin: germline. Affected: yes. Observed: 2 variant alleles.
Comment: PNPT1: BP4, BS2

Blueprint Genetics
Classification: Likely benign. Last evaluated: 2024-09-04. Review status: criteria provided, single submitter. Criteria: ACMG Guidelines, 2015. Collection method: clinical testing. Allele origin: germline.

GeneDx
Classification: Likely benign. Last evaluated: 2021-05-07. Review status: criteria provided, single submitter. Criteria: GeneDx Variant Classification Process June 2021. Collection method: clinical testing. Allele origin: germline. Affected: yes.